The following is an entry in ClinVar:

ClinVar aggregate classification (germline): Uncertain significance (1 of 4 stars; one submission).

Conditions:
Multiple endocrine neoplasia, type 1 (MEN1). Also called: MEA I; MEN I; WERMER SYNDROME; Endocrine adenomatosis multiple; MEN 1. Identifiers: Orphanet 652, MedGen C0025267, MeSH D018761, MONDO:0007540, OMIM 131100.

Submission:

Labcorp Genetics (formerly Invitae), Labcorp
Classification: Uncertain significance for Multiple endocrine neoplasia, type 1. Last evaluated: 2022-10-11. Review status: criteria provided, single submitter. Criteria: Invitae Variant Classification Sherloc (09022015). Collection method: clinical testing. Allele origin: germline.
Comment: In summary, the available evidence is currently insufficient to determine the role of this variant in disease. Therefore, it has been classified as a Variant of Uncertain Significance. Advanced modeling of protein sequence and biophysical properties (such as structural, functional, and spatial information, amino acid conservation, physicochemical variation, residue mobility, and thermodynamic stability) performed at Invitae indicates that this missense variant is expected to disrupt MEN1 protein function. This variant has not been reported in the literature in individuals affected with MEN1-related conditions. This variant is not present in population databases (gnomAD no frequency). This sequence change replaces glutamic acid, which is acidic and polar, with aspartic acid, which is acidic and polar, at codon 204 of the MEN1 protein (p.Glu204Asp).

NM_001370259.2(MEN1):c.612G>C (p.Glu204Asp)

Gene: MEN1 (menin 1; minus strand). Cytogenetic location: 11q13.1.
Variant type: single nucleotide variant.
Coding change: c.612G>C on transcript NM_001370259.2 (MANE Select); coding-DNA position 612, G replaced by C.
Protein change: p.Glu204Asp; replaces glutamic acid 204 with aspartic acid.
Molecular consequence: missense variant. On other transcripts: intron variant (2).
Genome position (GRCh38, 1-based): chr11:64,807,933, C>G on the plus strand (G>C on the coding strand, the complement: MEN1 is on the minus strand). VCF-style: chr11-64807933-C-G. GRCh37 (hg19) VCF-style: chr11-64575405-C-G.
Other names: c.627G>C, p.Glu209Asp (NM_000244.4, NM_001407150.1, NM_130800.3 and 5 more transcripts); c.612G>C, p.Glu204Asp (NM_001370251.2, NM_001407146.1, NM_001407147.1 and 7 more transcripts); c.549+63G>C (NM_001370263.2, NM_001370262.2); short protein forms E204D, E209D.
Identifiers: ClinVar variation 1721427 (VCV001721427.5), dbSNP rs2136150412, ClinGen allele CA381185426.